The following is an entry in ClinVar:

ClinVar aggregate classification (germline): Uncertain significance. Review status: criteria provided, multiple submitters, no conflicts (2 of 4 stars). 3 submissions from 3 submitters: Uncertain significance (3). Last evaluated 2026-04-15.

Allele frequency attached by ClinVar (database versions not stated): gnomAD exomes 0.00001; gnomAD 0.00003; ExAC 0.00005.
gnomAD v4.1: 21 of 1,551,382 alleles (0.0014%); highest among the groups gnomAD compares: East Asian, 0.0073%; no homozygotes.

Submissions (3):

GeneDx
Classification: Uncertain significance. Last evaluated: 2026-04-15. Review status: criteria provided, single submitter. Criteria: GeneDx Variant Classification Process June 2021. Collection method: clinical testing. Allele origin: germline.
Comment: In silico analysis suggests that this missense variant does not alter protein structure/function; Has not been previously published as pathogenic or benign to our knowledge

Labcorp Genetics (formerly Invitae), Labcorp
Classification: Uncertain significance. Last evaluated: 2025-10-22. Review status: criteria provided, single submitter. Criteria: Invitae Variant Classification Sherloc (09022015). Collection method: clinical testing. Allele origin: germline.
Comment: This sequence change replaces alanine, which is neutral and non-polar, with valine, which is neutral and non-polar, at codon 716 of the FAM65B protein (p.Ala716Val). This variant is present in population databases (rs746238109, gnomAD 0.01%). This variant has not been reported in the literature in individuals affected with FAM65B-related conditions. ClinVar contains an entry for this variant (Variation ID: 2600515). An algorithm developed to predict the effect of missense changes on protein structure and function (PolyPhen-2) suggests that this variant is likely to be disruptive. In summary, the available evidence is currently insufficient to determine the role of this variant in disease. Therefore, it has been classified as a Variant of Uncertain Significance.

Ambry Genetics
Classification: Uncertain significance. Last evaluated: 2023-07-30. Review status: criteria provided, single submitter. Criteria: Ambry Variant Classification Scheme 2023. Collection method: clinical testing. Allele origin: germline.

NM_001286445.3(RIPOR2):c.2084C>T (p.Ala695Val)

Gene: RIPOR2 (RHO family interacting cell polarization regulator 2; minus strand). Cytogenetic location: 6p22.3.
Variant type: single nucleotide variant.
Coding change: c.2084C>T on transcript NM_001286445.3 (MANE Select); coding-DNA position 2084, C replaced by T.
Protein change: p.Ala695Val; replaces alanine 695 with valine.
Molecular consequence: missense variant.
Genome position (GRCh38, 1-based): chr6:24,835,827, G>A on the plus strand (C>T on the coding strand, the complement: RIPOR2 is on the minus strand). VCF-style: chr6-24835827-G-A. GRCh37 (hg19) VCF-style: chr6-24836055-G-A.
Other names: c.2147C>T (NM_014722.3); c.1997C>T, p.Ala666Val (NM_001346031.2, NM_001346032.2); c.2147C>T, p.Ala716Val (NM_014722.5); short protein forms A695V, A716V, A666V.
Identifiers: ClinVar variation 2600515 (VCV002600515.5), dbSNP rs746238109, ClinGen allele CA3659134.